The following is an entry in ClinVar:

ClinVar aggregate classification (germline): Benign. Review status: criteria provided, multiple submitters, no conflicts (2 of 4 stars). 2 submissions from 2 submitters: Benign (2). Last evaluated 2026-01-19.

Allele frequency attached by ClinVar (database versions not stated): gnomAD 0.00434; TOPMed 0.00483; 1000 Genomes Project 30x 0.01187; 1000 Genomes Project 0.01218; gnomAD exomes 0.00225; ESP Exome Variant Server 0.00415.
gnomAD v4.1: 4,099 of 1,587,016 alleles (0.26%); highest among the groups gnomAD compares: South Asian, 2.9%; 86 homozygotes.

Submissions (2):

Labcorp Genetics (formerly Invitae), Labcorp
Classification: Benign. Last evaluated: 2026-01-19. Review status: criteria provided, single submitter. Criteria: Invitae Variant Classification Sherloc (09022015). Collection method: clinical testing. Allele origin: germline.

GeneDx
Classification: Benign. Last evaluated: 2016-06-07. Review status: criteria provided, single submitter. Criteria: GeneDx Variant Classification (06012015). Collection method: clinical testing. Allele origin: germline. Affected: yes.
Comment: This variant is considered likely benign or benign based on one or more of the following criteria: it is a conservative change, it occurs at a poorly conserved position in the protein, it is predicted to be benign by multiple in silico algorithms, and/or has population frequency not consistent with disease.

NM_213649.2(SFXN4):c.7C>T (p.Leu3=)

Genes: SFXN4 (sideroflexin 4; minus strand), LOC130004825 (ATAC-STARR-seq lymphoblastoid silent region 2869; plus strand). Cytogenetic location: 10q26.11.
Variant type: single nucleotide variant.
Coding change: c.7C>T on transcript NM_213649.2 (MANE Select); coding-DNA position 7, C replaced by T.
Protein change: p.Leu3=; no amino-acid change (leucine 3 retained).
Molecular consequence: synonymous variant. On other transcripts: non-coding transcript variant (1).
Genome position (GRCh38, 1-based): chr10:119,165,641, G>A on the plus strand (C>T on the coding strand, the complement: SFXN4 is on the minus strand). VCF-style: chr10-119165641-G-A. GRCh37 (hg19) VCF-style: chr10-120925153-G-A.
Identifiers: ClinVar variation 383299 (VCV000383299.11), dbSNP rs150682528, ClinGen allele CA5714746.